The following is an entry in ClinVar:

ClinVar aggregate classification (germline): Uncertain significance (1 of 4 stars; one submission).

Submission:

Labcorp Genetics (formerly Invitae), Labcorp
Classification: Uncertain significance. Last evaluated: 2024-05-07. Review status: criteria provided, single submitter. Criteria: Invitae Variant Classification Sherloc (09022015). Collection method: clinical testing. Allele origin: germline.
Comment: This sequence change replaces alanine, which is neutral and non-polar, with serine, which is neutral and polar, at codon 392 of the SMAD2 protein (p.Ala392Ser). This variant is not present in population databases (gnomAD no frequency). This variant has not been reported in the literature in individuals affected with SMAD2-related conditions. Advanced modeling of protein sequence and biophysical properties (such as structural, functional, and spatial information, amino acid conservation, physicochemical variation, residue mobility, and thermodynamic stability) performed at Invitae indicates that this missense variant is not expected to disrupt SMAD2 protein function with a negative predictive value of 80%. In summary, the available evidence is currently insufficient to determine the role of this variant in disease. Therefore, it has been classified as a Variant of Uncertain Significance.

NM_005901.6(SMAD2):c.1174G>T (p.Ala392Ser)

Gene: SMAD2 (SMAD family member 2; minus strand). Cytogenetic location: 18q21.1.
Variant type: single nucleotide variant.
Coding change: c.1174G>T on transcript NM_005901.6 (MANE Select); coding-DNA position 1174, G replaced by T.
Protein change: p.Ala392Ser; replaces alanine 392 with serine.
Molecular consequence: missense variant.
Genome position (GRCh38, 1-based): chr18:47,845,446, C>A on the plus strand (G>T on the coding strand, the complement: SMAD2 is on the minus strand). VCF-style: chr18-47845446-C-A. GRCh37 (hg19) VCF-style: chr18-45371817-C-A.
Other names: c.1174G>T, p.Ala392Ser (NM_001003652.4); c.1084G>T, p.Ala362Ser (NM_001135937.3); short protein forms A362S, A392S.
Identifiers: ClinVar variation 3668928 (VCV003668928.2).